The following is an entry in ClinVar:

ClinVar aggregate classification (germline): Uncertain significance (1 of 4 stars; one submission).

Conditions:
Oto-palato-digital syndrome, type II (OPD2). Also called: FACIOPALATOOSSEOUS SYNDROME; OPD II SYNDROME; Otopalatodigital Syndrome, Type II; Otopalatodigital Syndrome Type 2 (FLNA-OPD2). Identifiers: Orphanet 669, Orphanet 90652, MedGen C1844696, MONDO:0010571, OMIM 304120.
Heterotopia, periventricular, X-linked dominant (PVNH1). Also called: PERIVENTRICULAR NODULAR HETEROTOPIA 4; HETEROTOPIA, PERIVENTRICULAR, 1; PERIVENTRICULAR NODULAR HETEROTOPIA 1; X-linked periventricular heterotopia. Identifiers: Orphanet 2149, Orphanet 82004, MedGen C1848213, MONDO:0010233, OMIM 300049.
Melnick-Needles syndrome (MNS). Also called: MELNICK-NEEDLES OSTEODYSPLASTY; OSTEODYSPLASTY OF MELNICK AND NEEDLES; Melnick-Needles Syndrome (FLNA-MNS). Identifiers: Orphanet 2484, MedGen C0025237, MONDO:0010650, OMIM 309350.
Frontometaphyseal dysplasia (FMD1). Identifiers: Orphanet 1826, MedGen C0265293, MONDO:0015942.

Submission:

Labcorp Genetics (formerly Invitae), Labcorp
Classification: Uncertain significance for Oto-palato-digital syndrome, type II; Heterotopia, periventricular, X-linked dominant; Frontometaphyseal dysplasia; Melnick-Needles syndrome. Last evaluated: 2023-07-18. Review status: criteria provided, single submitter. Criteria: Invitae Variant Classification Sherloc (09022015). Collection method: clinical testing. Allele origin: germline.
Comment: This sequence change replaces serine, which is neutral and polar, with leucine, which is neutral and non-polar, at codon 1166 of the FLNA protein (p.Ser1166Leu). This variant is not present in population databases (gnomAD no frequency). This variant has not been reported in the literature in individuals affected with FLNA-related conditions. ClinVar contains an entry for this variant (Variation ID: 1481160). Advanced modeling of protein sequence and biophysical properties (such as structural, functional, and spatial information, amino acid conservation, physicochemical variation, residue mobility, and thermodynamic stability) performed at Invitae indicates that this missense variant is not expected to disrupt FLNA protein function. In summary, the available evidence is currently insufficient to determine the role of this variant in disease. Therefore, it has been classified as a Variant of Uncertain Significance.

NM_001110556.2(FLNA):c.3497C>T (p.Ser1166Leu)

Gene: FLNA (filamin A; minus strand). Cytogenetic location: Xq28.
Variant type: single nucleotide variant.
Coding change: c.3497C>T on transcript NM_001110556.2 (MANE Select); coding-DNA position 3497, C replaced by T.
Protein change: p.Ser1166Leu; replaces serine 1166 with leucine.
Molecular consequence: missense variant.
Genome position (GRCh38, 1-based): chrX:154,360,298, G>A on the plus strand (C>T on the coding strand, the complement: FLNA is on the minus strand). VCF-style: chrX-154360298-G-A. GRCh37 (hg19) VCF-style: chrX-153588666-G-A.
Other names: c.3497C>T, p.Ser1166Leu (NM_001456.4); short protein forms S1166L.
Identifiers: ClinVar variation 1481160 (VCV001481160.6), dbSNP rs2148112179, ClinGen allele CA415226903.